The following is an entry in ClinVar:

ClinVar aggregate classification (germline): Uncertain significance (1 of 4 stars; one submission).

Conditions:
Cardiovascular phenotype. Identifiers: MedGen CN230736.

Submission:

Ambry Genetics
Classification: Uncertain significance for Cardiovascular phenotype. Last evaluated: 2024-10-14. Review status: criteria provided, single submitter. Criteria: Ambry Variant Classification Scheme 2023. Collection method: clinical testing. Allele origin: germline.
Comment: The p.P5S variant (also known as c.13C>T), located in coding exon 1 of the ABCA1 gene, results from a C to T substitution at nucleotide position 13. The proline at codon 5 is replaced by serine, an amino acid with similar properties. This amino acid position is conserved. In addition, this alteration is predicted to be tolerated by in silico analysis. Based on the available evidence, the clinical significance of this variant remains unclear.

NM_005502.4(ABCA1):c.13C>T (p.Pro5Ser)

Gene: ABCA1 (ATP binding cassette subfamily A member 1; minus strand). Cytogenetic location: 9q31.1.
Variant type: single nucleotide variant.
Coding change: c.13C>T on transcript NM_005502.4 (MANE Select); coding-DNA position 13, C replaced by T.
Protein change: p.Pro5Ser; replaces proline 5 with serine.
Molecular consequence: missense variant.
Genome position (GRCh38, 1-based): chr9:104,903,667, G>A on the plus strand (C>T on the coding strand, the complement: ABCA1 is on the minus strand). VCF-style: chr9-104903667-G-A. GRCh37 (hg19) VCF-style: chr9-107665948-G-A.
Other names: short protein forms P5S.
Identifiers: ClinVar variation 3492787 (VCV003492787.1).